The following is an entry in ClinVar:

NM_000089.4(COL1A2):c.3267+5G>C

Gene: COL1A2 (collagen type I alpha 2 chain; plus strand). Cytogenetic location: 7q21.3.
Variant type: single nucleotide variant.
Coding change: c.3267+5G>C on transcript NM_000089.4 (MANE Select); 5 bases into the intron after coding-DNA position 3267, G replaced by C.
Molecular consequence: intron variant.
Genome position (GRCh38, 1-based): chr7:94,427,300, G>C. VCF-style: chr7-94427300-G-C. GRCh37 (hg19) VCF-style: chr7-94056612-G-C.
Identifiers: ClinVar variation 1349370 (VCV001349370.8), dbSNP rs2115958193, ClinGen allele CA2573142495.

ClinVar aggregate classification (germline): Uncertain significance (1 of 4 stars; one submission).

Conditions:
Osteogenesis imperfecta type I (OI1). Also called: OI, TYPE I; OSTEOGENESIS IMPERFECTA TARDA; OSTEOGENESIS IMPERFECTA WITH BLUE SCLERAE; Osteogenesis imperfecta type 1; Lobstein's Disease; Lobstein disease. Identifiers: Orphanet 216796, Orphanet 666, MedGen C0023931, MONDO:0008146, OMIM 166200. Disease mechanism: loss of function.
Ehlers-Danlos syndrome, classic type, 1 (EDSCL1). Also called: EHLERS-DANLOS SYNDROME, GRAVIS TYPE; EHLERS-DANLOS SYNDROME, SEVERE CLASSIC TYPE; Ehlers-Danlos syndrome, type 1; EDS I; Ehlers-Danlos Syndrome, Classic Type, COL5A1-Related. Identifiers: MedGen C0268335, MONDO:0019567, OMIM 130000.

Submission:

Labcorp Genetics (formerly Invitae), Labcorp
Classification: Uncertain significance for Osteogenesis imperfecta type I; Ehlers-Danlos syndrome, classic type, 1. Last evaluated: 2021-04-27. Review status: criteria provided, single submitter. Criteria: Invitae Variant Classification Sherloc (09022015). Collection method: clinical testing. Allele origin: germline.
Comment: In summary, the available evidence is currently insufficient to determine the role of this variant in disease. Therefore, it has been classified as a Variant of Uncertain Significance. Nucleotide substitutions within the consensus splice site are a relatively common cause of aberrant splicing (PMID: 17576681, 9536098). Algorithms developed to predict the effect of sequence changes on RNA splicing suggest that this variant may disrupt the consensus splice site, but this prediction has not been confirmed by published transcriptional studies. This variant has been observed in individual(s) with clinical features of osteogenesis imperfecta (Invitae). This variant is not present in population databases (ExAC no frequency). This sequence change falls in intron 48 of the COL1A2 gene. It does not directly change the encoded amino acid sequence of the COL1A2 protein. It affects a nucleotide within the consensus splice site of the intron.

Literature cited by the submitters: PubMed 17576681; PubMed 9536098.